The following is an entry in ClinVar:

NM_014629.4(ARHGEF10):c.890T>A (p.Met297Lys)

Gene: ARHGEF10 (Rho guanine nucleotide exchange factor 10; plus strand). Cytogenetic location: 8p23.3.
Variant type: single nucleotide variant.
Coding change: c.890T>A on transcript NM_014629.4 (MANE Select); coding-DNA position 890, T replaced by A.
Protein change: p.Met297Lys; replaces methionine 297 with lysine.
Molecular consequence: missense variant. On other transcripts: intron variant (1).
Genome position (GRCh38, 1-based): chr8:1,880,094, T>A. VCF-style: chr8-1880094-T-A. GRCh37 (hg19) VCF-style: chr8-1828260-T-A.
Other names: c.893T>A, p.Met298Lys (NM_001308153.3); c.847-2541T>A (NM_001308152.2); short protein forms M322K, M297K, M298K.
Identifiers: ClinVar variation 2879392 (VCV002879392.3), dbSNP rs2537166407, ClinGen allele CA369956356.

ClinVar aggregate classification (germline): Uncertain significance (1 of 4 stars; one submission).

Allele frequency attached by ClinVar (database versions not stated): gnomAD exomes below 0.00001.
gnomAD v4.1: 1 of 1,614,154 alleles (0.000062%); highest among the groups gnomAD compares: Non-Finnish European, 0.000085%; no homozygotes.

Submission:

Labcorp Genetics (formerly Invitae), Labcorp
Classification: Uncertain significance. Last evaluated: 2024-10-27. Review status: criteria provided, single submitter. Criteria: Invitae Variant Classification Sherloc (09022015). Collection method: clinical testing. Allele origin: germline.
Comment: This sequence change replaces methionine, which is neutral and non-polar, with lysine, which is basic and polar, at codon 297 of the ARHGEF10 protein (p.Met297Lys). This variant is not present in population databases (gnomAD no frequency). This variant has not been reported in the literature in individuals affected with ARHGEF10-related conditions. An algorithm developed to predict the effect of missense changes on protein structure and function (PolyPhen-2) suggests that this variant is likely to be disruptive. In summary, the available evidence is currently insufficient to determine the role of this variant in disease. Therefore, it has been classified as a Variant of Uncertain Significance.